The following is an entry in ClinVar:

ClinVar aggregate classification (germline): Uncertain significance (1 of 4 stars; one submission).

gnomAD v4.1: 10 of 1,609,792 alleles (0.00062%); highest among the groups gnomAD compares: Non-Finnish European, 0.00076%; no homozygotes.

Submission:

Ambry Genetics
Classification: Uncertain significance. Last evaluated: 2023-12-04. Review status: criteria provided, single submitter. Criteria: Ambry Variant Classification Scheme 2023. Collection method: clinical testing. Allele origin: germline.
Comment: The p.E42K variant (also known as c.124G>A), located in coding exon 2 of the ALPK2 gene, results from a G to A substitution at nucleotide position 124. The glutamic acid at codon 42 is replaced by lysine, an amino acid with similar properties. This amino acid position is conserved. In addition, this alteration is predicted to be tolerated by in silico analysis. Since supporting evidence is limited at this time, the clinical significance of this alteration remains unclear.

NM_052947.4(ALPK2):c.124G>A (p.Glu42Lys)

Gene: ALPK2 (alpha kinase 2; minus strand). Cytogenetic location: 18q21.32.
Variant type: single nucleotide variant.
Coding change: c.124G>A on transcript NM_052947.4 (MANE Select); coding-DNA position 124, G replaced by A.
Protein change: p.Glu42Lys; replaces glutamic acid 42 with lysine.
Molecular consequence: missense variant.
Genome position (GRCh38, 1-based): chr18:58,607,425, C>T on the plus strand (G>A on the coding strand, the complement: ALPK2 is on the minus strand). VCF-style: chr18-58607425-C-T. GRCh37 (hg19) VCF-style: chr18-56274657-C-T.
Other names: short protein forms E42K.
Identifiers: ClinVar variation 1760398 (VCV001760398.2), dbSNP rs775186549, ClinGen allele CA402556305.
Genomic context (GRCh38, chr18:58,607,425, plus strand): 5'-CATAGTTGGAAATAATGCCACTCCCATCGATGGCCTGACCATTCTTATACCAAGTTACCT[C>T]TGGCTTGGGCTGACCTGACAATAAAGAAAGAAAAGTATCCTTATTAGTTTAAGTATTTTT-3'
Protein context (NP_443179.3, residues 32-52): RCIISGQPKP[Glu42Lys]VTWYKNGQAI